The following is an entry in ClinVar:

NM_014639.4(SKIC3):c.183T>G (p.Ser61Arg)

Gene: SKIC3 (SKI3 subunit of superkiller complex; minus strand). Cytogenetic location: 5q15.
Variant type: single nucleotide variant.
Coding change: c.183T>G on transcript NM_014639.4 (MANE Select); coding-DNA position 183, T replaced by G.
Protein change: p.Ser61Arg; replaces serine 61 with arginine.
Molecular consequence: missense variant.
Genome position (GRCh38, 1-based): chr5:95,543,235, A>C on the plus strand (T>G on the coding strand, the complement: SKIC3 is on the minus strand). VCF-style: chr5-95543235-A-C. GRCh37 (hg19) VCF-style: chr5-94878939-A-C.
Other names: short protein forms S61R.
Identifiers: ClinVar variation 4726282 (VCV004726282.1).

ClinVar aggregate classification (germline): Uncertain significance (1 of 4 stars; one submission).

Submission:

Labcorp Genetics (formerly Invitae), Labcorp
Classification: Uncertain significance. Last evaluated: 2025-10-01. Review status: criteria provided, single submitter. Criteria: Invitae Variant Classification Sherloc (09022015). Collection method: clinical testing. Allele origin: germline.
Comment: This sequence change replaces serine, which is neutral and polar, with arginine, which is basic and polar, at codon 61 of the TTC37 protein (p.Ser61Arg). This variant is not present in population databases (gnomAD no frequency). This variant has not been reported in the literature in individuals affected with TTC37-related conditions. An algorithm developed to predict the effect of missense changes on protein structure and function (PolyPhen-2) suggests that this variant is likely to be tolerated. In summary, the available evidence is currently insufficient to determine the role of this variant in disease. Therefore, it has been classified as a Variant of Uncertain Significance.